The following is an entry in ClinVar:

ClinVar aggregate classification (germline): Likely benign. Review status: criteria provided, multiple submitters, no conflicts (2 of 4 stars). 4 submissions from 4 submitters: Likely benign (3). 1 of the submissions does not count toward it. Last evaluated 2025-11-20.

Conditions:
Retinal dystrophy. Also called: Inherited retinal dystrophy. Identifiers: Orphanet 71862, MedGen C0854723, MeSH D058499, MONDO:0019118, HP:0000556.
GUCY2D-related disorder. Also called: GUCY2D-related condition.
Leber congenital amaurosis 1 (LCA1). Also called: Congenital absence of the rods and cones; Leber's congenital tapetoretinal degeneration; Leber's congenital tapetoretinal dysplasia; AMAUROSIS CONGENITA OF LEBER I; RETINAL BLINDNESS, CONGENITAL. Identifiers: Orphanet 65, MedGen C2931258, MONDO:0008764, OMIM 204000.
Cone-rod dystrophy 6 (CORD6). Also called: Cone dystrophy progressive; RETINAL CONE DYSTROPHY 2. Identifiers: Orphanet 1872, MedGen C1866293, MONDO:0011143, OMIM 601777.

Allele frequency attached by ClinVar (database versions not stated): ExAC 0.00001; gnomAD exomes 0.00001; gnomAD 0.00002; TOPMed 0.00002.
gnomAD v4.1: 12 of 1,613,766 alleles (0.00074%); highest among the groups gnomAD compares: African/African-American, 0.008%; no homozygotes.

Submissions (4):

Labcorp Genetics (formerly Invitae), Labcorp
Classification: Likely benign for Leber congenital amaurosis 1; Cone-rod dystrophy 6. Last evaluated: 2025-11-20. Review status: criteria provided, single submitter. Criteria: Invitae Variant Classification Sherloc (09022015). Collection method: clinical testing. Allele origin: germline.

PreventionGenetics, part of Exact Sciences
Classification: Likely benign for GUCY2D-related condition. Last evaluated: 2025-03-12. Review status: criteria provided, single submitter. Criteria: ACMG Guidelines, 2015. Collection method: clinical testing. Allele origin: germline.
Comment: This variant is classified as likely benign based on ACMG/AMP sequence variant interpretation guidelines (Richards et al. 2015 PMID: 25741868, with internal and published modifications).

Blueprint Genetics
Classification: Likely benign. Last evaluated: 2020-08-18. Review status: criteria provided, single submitter. Criteria: ACMG Guidelines, 2015. Collection method: clinical testing. Allele origin: germline.

Institute of Human Genetics, Univ. Regensburg, Univ. Regensburg
Classification: Uncertain significance for Retinal dystrophy. Last evaluated: 2012-01-01. Review status: no assertion criteria provided. Criteria: ACMG Guidelines, 2015. Collection method: clinical testing. Allele origin: germline. Affected: yes. Not counted in ClinVar's aggregate classification.

NM_000180.4(GUCY2D):c.2172G>A (p.Thr724=)

Gene: GUCY2D (guanylate cyclase 2D, retinal; plus strand). Cytogenetic location: 17p13.1.
Variant type: single nucleotide variant.
Coding change: c.2172G>A on transcript NM_000180.4 (MANE Select); coding-DNA position 2172, G replaced by A.
Protein change: p.Thr724=; no amino-acid change (threonine 724 retained).
Molecular consequence: synonymous variant.
Genome position (GRCh38, 1-based): chr17:8,013,161, G>A. VCF-style: chr17-8013161-G-A. GRCh37 (hg19) VCF-style: chr17-7916479-G-A.
Other names: c.2172G>A (NM_000180.3).
Identifiers: ClinVar variation 1086133 (VCV001086133.12), dbSNP rs760472338, ClinGen allele CA8366034.